The following is an entry in ClinVar:

ClinVar aggregate classification (germline): Uncertain significance (1 of 4 stars; one submission).

Submission:

Women's Health and Genetics/Laboratory Corporation of America, LabCorp
Classification: Uncertain significance. Last evaluated: 2026-02-17. Review status: criteria provided, single submitter. Criteria: LabCorp Variant Classification Summary - May 2015. Collection method: clinical testing. Allele origin: germline.
Comment: Variant summary: TBXA2R c.149C>A (p.Ala50Glu) results in a non-conservative amino acid change in the encoded protein sequence. Algorithms developed to predict the effect of missense changes on protein structure and function are either unavailable or do not agree on the potential impact of this missense change. The variant allele was found at a frequency of 5e-05 in 241798 control chromosomes. This frequency is not significantly higher than estimated for disease-causing variants in TBXA2R, allowing no conclusion about variant significance. To our knowledge, no occurrence of c.149C>A in individuals affected with TBXA2R-related conditions and no experimental evidence demonstrating its impact on protein function have been reported. No submitters have cited clinical-significance assessments for this variant to ClinVar. Based on the evidence outlined above, the variant was classified as uncertain significance.

NM_001060.6(TBXA2R):c.149C>A (p.Ala50Glu)

Gene: TBXA2R (thromboxane A2 receptor; minus strand). Cytogenetic location: 19p13.3.
Variant type: single nucleotide variant.
Coding change: c.149C>A on transcript NM_001060.6 (MANE Select); coding-DNA position 149, C replaced by A.
Protein change: p.Ala50Glu; replaces alanine 50 with glutamic acid.
Molecular consequence: missense variant.
Genome position (GRCh38, 1-based): chr19:3,600,486, G>T on the plus strand (C>A on the coding strand, the complement: TBXA2R is on the minus strand). VCF-style: chr19-3600486-G-T. GRCh37 (hg19) VCF-style: chr19-3600484-G-T.
Other names: c.149C>A, p.Ala50Glu (NM_201636.3); short protein forms A50E.
Identifiers: ClinVar variation 4848277 (VCV004848277.1).
Genomic context (GRCh38, chr19:3,600,486, plus strand): 5'-AGGCCGCAGAGGAAGGTGAGGAAGGAGGAGCGCGTGTGCGAACCCCCCTGCCGCGCGCCC[G>T]CCAGCACGCTCAGGGCCAGCAGGTTGGAGGCCAGGCCCACCACGCAGAAGGAGGCGGCGA-3'
Protein context (NP_001051.1, residues 40-60): ASNLLALSVL[Ala50Glu]GARQGGSHTR